The following is an entry in ClinVar:

ClinVar aggregate classification (germline): Conflicting classifications of pathogenicity. Review status: criteria provided, conflicting classifications (1 of 4 stars). 2 submissions from 2 submitters: Uncertain significance (1); Likely benign (1). Last evaluated 2023-03-23.

Conditions:
Hereditary cancer-predisposing syndrome. Also called: Hereditary Cancer Syndrome; Hereditary neoplastic syndrome; Neoplastic Syndromes, Hereditary; Tumor predisposition. Identifiers: Orphanet 140162, MedGen C0027672, MeSH D009386, MONDO:0015356.

Submissions (2):

University of Washington Department of Laboratory Medicine, University of Washington
Classification: Likely benign for Hereditary cancer-predisposing syndrome. Last evaluated: 2023-03-23. Review status: criteria provided, single submitter. Criteria: Dines et al. (Genet Med. 2020). Collection method: curation. Allele origin: germline.
Comment: Missense variant in a coldspot region where missense variants are very unlikely to be pathogenic (PMID:31911673).

BRCA1 coldspot (exon 11 using historical exon numbering). Reclassification based on statistical prior probability

Mendelics
Classification: Uncertain significance. Last evaluated: 2022-05-04. Review status: criteria provided, single submitter. Criteria: Mendelics Assertion Criteria 2019. Collection method: clinical testing. Allele origin: germline.

NM_007294.4(BRCA1):c.2614T>G (p.Phe872Val)

Gene: BRCA1 (BRCA1 DNA repair associated; minus strand). Cytogenetic location: 17q21.31.
Variant type: single nucleotide variant.
Coding change: c.2614T>G on transcript NM_007294.4 (MANE Select); coding-DNA position 2614, T replaced by G.
Protein change: p.Phe872Val; replaces phenylalanine 872 with valine.
Molecular consequence: missense variant. On other transcripts: intron variant (137).
Genome position (GRCh38, 1-based): chr17:43,092,917, A>C on the plus strand (T>G on the coding strand, the complement: BRCA1 is on the minus strand). VCF-style: chr17-43092917-A-C. GRCh37 (hg19) VCF-style: chr17-41244934-A-C.
Other names: c.2614T>G, p.Phe872Val (NM_001407583.1, NM_001407585.1, NM_001407581.1 and 30 more transcripts); c.2611T>G, p.Phe871Val (NM_001407587.1, NM_001407590.1, NM_001407591.1 and 22 more transcripts); c.2401T>G, p.Phe801Val (NM_001407571.1, NM_001407853.1, NM_001407894.1 and 9 more transcripts); c.2605T>G, p.Phe869Val (NM_001407646.1, NM_001407647.1); c.2491T>G, p.Phe831Val (NM_001407648.1, NM_001407664.1, NM_001407665.1 and 19 more transcripts); c.2488T>G, p.Phe830Val (NM_001407649.1, NM_001407670.1, NM_001407671.1 and 11 more transcripts); c.2536T>G, p.Phe846Val (NM_001407653.1, NM_001407654.1, NM_001407655.1 and 4 more transcripts); c.2533T>G, p.Phe845Val (NM_001407659.1, NM_001407660.1, NM_001407661.1 and 1 more transcripts); and 41 more; short protein forms F825V, F872V, F576V, F760V, F830V, F783V, F801V, F802V.
Identifiers: ClinVar variation 1686512 (VCV001686512.4), dbSNP rs2053728394, ClinGen allele CA10596769.